The following is an entry in ClinVar:

NM_014874.4(MFN2):c.2055CCA[1] (p.His686del)

Gene: MFN2 (mitofusin 2; plus strand). Cytogenetic location: 1p36.22.
Variant type: Microsatellite.
Coding change: c.2055CCA[1] on transcript NM_014874.4 (MANE Select); one copy of the 3-base unit CCA starting at c.2055; the reference has two copies in a row; one copy, 3 bases deleted.
Protein change: p.His686del; deletes histidine 686.
Molecular consequence: inframe deletion.
Genome position (GRCh38, 1-based): chr1:12,007,238-12,007,240, CCA deleted; deleting any 3 consecutive bases within chr1:12,007,235-12,007,240 gives the same sequence; the position shown is the placement nearest the transcript's 3' end. VCF-style (leftmost placement, unchanged base first): chr1-12007234-GCCA-G. GRCh37 (hg19) VCF-style: chr1-12067291-GCCA-G.
Other names: c.2055CCA[1], p.His686del (NM_001127660.2); short protein forms H686del.
Identifiers: ClinVar variation 2024169 (VCV002024169.4), dbSNP rs2523101252, ClinGen allele CA2580611410.
Genomic context (GRCh38, chr1:12,007,234, plus strand): 5'-TTGTGGAGCATGCCAGCGAGAAGCTGCAGCTTGTCATCAGCTACACTGGCTCCAACTGCA[GCCA>G]CCAAGTCCAGCAGTGAGTGGCCCTGTCGGACCCCAGCAGGGGACTTCCTTTAGGCAGGGT-3'

ClinVar aggregate classification (germline): Uncertain significance (1 of 4 stars; one submission).

Conditions:
Charcot-Marie-Tooth disease type 2. Also called: Charcot-Marie-Tooth type 2. Identifiers: Orphanet 64746, MedGen C0270914, MONDO:0018993.

Submission:

Labcorp Genetics (formerly Invitae), Labcorp
Classification: Uncertain significance for Charcot-Marie-Tooth disease type 2. Last evaluated: 2022-08-15. Review status: criteria provided, single submitter. Criteria: Invitae Variant Classification Sherloc (09022015). Collection method: clinical testing. Allele origin: germline.
Comment: This variant, c.2058_2060del, results in the deletion of 1 amino acid(s) of the MFN2 protein (p.His686del), but otherwise preserves the integrity of the reading frame. In summary, the available evidence is currently insufficient to determine the role of this variant in disease. Therefore, it has been classified as a Variant of Uncertain Significance. Experimental studies and prediction algorithms are not available or were not evaluated, and the functional significance of this variant is currently unknown. This variant has not been reported in the literature in individuals affected with MFN2-related conditions. This variant is not present in population databases (gnomAD no frequency).